The following is an entry in ClinVar:

NM_020163.3(SEMA3G):c.1077C>T (p.His359=)

Gene: SEMA3G (semaphorin 3G; minus strand). Cytogenetic location: 3p21.1.
Variant type: single nucleotide variant.
Coding change: c.1077C>T on transcript NM_020163.3 (MANE Select); coding-DNA position 1077, C replaced by T.
Protein change: p.His359=; no amino-acid change (histidine 359 retained).
Molecular consequence: synonymous variant.
Genome position (GRCh38, 1-based): chr3:52,440,443, G>A on the plus strand (C>T on the coding strand, the complement: SEMA3G is on the minus strand). VCF-style: chr3-52440443-G-A. GRCh37 (hg19) VCF-style: chr3-52474459-G-A.
Identifiers: ClinVar variation 3056150 (VCV003056150.3), dbSNP rs140615901, ClinGen allele CA2438068.

ClinVar aggregate classification (germline): Likely benign (1 of 4 stars; one submission).

Conditions:
SEMA3G-related disorder. Also called: SEMA3G-related condition.

Allele frequency attached by ClinVar (database versions not stated): 1000 Genomes Project 30x 0.00016; 1000 Genomes Project 0.00020; gnomAD 0.00024; TOPMed 0.00027; gnomAD exomes 0.00028; ESP Exome Variant Server 0.00031; ExAC 0.00032.

Submission:

PreventionGenetics, part of Exact Sciences
Classification: Likely benign for SEMA3G-related condition. Last evaluated: 2026-07-06. Review status: criteria provided, single submitter. Criteria: ACMG Guidelines, 2015. Collection method: clinical testing. Allele origin: germline.
Comment: This variant is classified as likely benign based on ACMG/AMP sequence variant interpretation guidelines (Richards et al. 2015 PMID: 25741868, with internal and published modifications).